The following is an entry in ClinVar:

NM_004606.5(TAF1):c.2617A>T (p.Thr873Ser)

Gene: TAF1 (TATA-box binding protein associated factor 1; plus strand). Cytogenetic location: Xq13.1.
Variant type: single nucleotide variant.
Coding change: c.2617A>T on transcript NM_004606.5 (MANE Select); coding-DNA position 2617, A replaced by T.
Protein change: p.Thr873Ser; replaces threonine 873 with serine.
Molecular consequence: missense variant. On other transcripts: non-coding transcript variant (9).
Genome position (GRCh38, 1-based): chrX:71,388,785, A>T. VCF-style: chrX-71388785-A-T. GRCh37 (hg19) VCF-style: chrX-70608635-A-T.
Other names: c.2617A>T, p.Thr873Ser (NM_001286074.2); c.2554A>T, p.Thr852Ser (NM_138923.4); short protein forms T852S, T873S.
Identifiers: ClinVar variation 3376399 (VCV003376399.1).
Genomic context (GRCh38, chrX:71,388,785, plus strand): 5'-ATGTCTTTTCCAGGGATGGACTCAAACTGGTGGGTGCTTAAGTCTGATTTTCGTTTACCA[A>T]CGGAAGAAGAGATCAGAGCTATGGTGTCACCAGAGCAGTGCTGTGCTTATTATAGCATGA-3'
Protein context (NP_004597.3, residues 863-883): WVLKSDFRLP[Thr873Ser]EEEIRAMVSP

ClinVar aggregate classification (germline): Uncertain significance (1 of 4 stars; one submission).

Conditions:
Intellectual developmental disorder, X-linked, syndromic 33. Also called: X-linked intellectual disability-global development delay-facial dysmorphism-sacral caudal remnant syndrome; Intellectual disability, X-linked, syndromic 33. Identifiers: Orphanet 480907, MedGen C4225418, MONDO:0010500, OMIM 300966.

Submission:

Pittsburgh Clinical Genomics Laboratory, University of Pittsburgh Medical Center
Classification: Uncertain significance for Intellectual developmental disorder, X-linked, syndromic 33. Last evaluated: 2023-10-30. Review status: criteria provided, single submitter. Criteria: ACMG Guidelines, 2015. Collection method: clinical testing. Allele origin: germline. Inheritance: X-linked recessive inheritance. Affected: yes.
Comment: This sequence variant is a single nucleotide substitution (A>T) at position 2617 of the coding sequence of the TAF1 gene that results in a threonine to serine amino acid change at residue 873 of the TATA-box binding protein associated factor 1 protein. The 873 residue falls in the histone acetyltransferase domain (UniProt). This variant is absent from ClinVar and has not been observed in an individual affected by a TAF1-related disorder in the published literature, to our knowledge. A similar variant has been previously reported (ClinVar 1038609). This variant is absent from the gnomAD population database (0/295328 alleles). Bioinformatic tools are inconclusive if this amino acid change will be damaging or tolerated, and the Thr873 residue at this position is highly conserved across the vertebrate species examined. Studies examining the functional consequence of this variant have not been published, to our knowledge. At this time, there is insufficient evidence to determine if this variant is pathogenic or benign. Therefore, we consider this a variant of uncertain significance. ACMG Criteria: PM2